The following is an entry in ClinVar:

ClinVar aggregate classification (germline): Uncertain significance (1 of 4 stars; one submission).

Conditions:
Joubert syndrome. Also called: CEREBELLOPARENCHYMAL DISORDER IV; JOUBERT-BOLTSHAUSER SYNDROME; Familial aplasia of the vermis. Identifiers: Orphanet 475, MedGen C5979921, MONDO:0018772.
Meckel-Gruber syndrome. Also called: DYSENCEPHALIA SPLANCHNOCYSTICA; GRUBER SYNDROME; Dysencephalia splachnocystica. Identifiers: Orphanet 564, MedGen C0265215, MONDO:0018921.

Submission:

Labcorp Genetics (formerly Invitae), Labcorp
Classification: Uncertain significance for Joubert syndrome; Meckel-Gruber syndrome. Last evaluated: 2022-02-11. Review status: criteria provided, single submitter. Criteria: Invitae Variant Classification Sherloc (09022015). Collection method: clinical testing. Allele origin: germline.
Comment: In summary, the available evidence is currently insufficient to determine the role of this variant in disease. Therefore, it has been classified as a Variant of Uncertain Significance. Algorithms developed to predict the effect of missense changes on protein structure and function are either unavailable or do not agree on the potential impact of this missense change (SIFT: "Tolerated"; PolyPhen-2: "Possibly Damaging"; Align-GVGD: "Class C0"). This variant has not been reported in the literature in individuals affected with RPGRIP1L-related conditions. This variant is not present in population databases (gnomAD no frequency). This sequence change replaces glutamine, which is neutral and polar, with histidine, which is basic and polar, at codon 437 of the RPGRIP1L protein (p.Gln437His).

NM_015272.5(RPGRIP1L):c.1311A>C (p.Gln437His)

Gene: RPGRIP1L (RPGRIP1 like; minus strand). Cytogenetic location: 16q12.2.
Variant type: single nucleotide variant.
Coding change: c.1311A>C on transcript NM_015272.5 (MANE Select); coding-DNA position 1311, A replaced by C.
Protein change: p.Gln437His; replaces glutamine 437 with histidine.
Molecular consequence: missense variant.
Genome position (GRCh38, 1-based): chr16:53,658,811, T>G on the plus strand (A>C on the coding strand, the complement: RPGRIP1L is on the minus strand). VCF-style: chr16-53658811-T-G. GRCh37 (hg19) VCF-style: chr16-53692723-T-G.
Other names: c.1311A>C, p.Gln437His (NM_001127897.4, NM_001308334.3, NM_001330538.2); short protein forms Q437H.
Identifiers: ClinVar variation 2096800 (VCV002096800.4), dbSNP rs1033613104, ClinGen allele CA395920249.